The following is an entry in ClinVar:

ClinVar aggregate classification (germline): Uncertain significance (1 of 4 stars; one submission).

Submission:

Labcorp Genetics (formerly Invitae), Labcorp
Classification: Uncertain significance. Last evaluated: 2023-10-18. Review status: criteria provided, single submitter. Criteria: Invitae Variant Classification Sherloc (09022015). Collection method: clinical testing. Allele origin: germline.
Comment: This sequence change falls in intron 46 of the POLE gene. It does not directly change the encoded amino acid sequence of the POLE protein. Information on the frequency of this variant in the gnomAD database is not available, as this variant may be reported differently in the database. This variant has not been reported in the literature in individuals affected with POLE-related conditions. Experimental studies and prediction algorithms are not available or were not evaluated, and the effect of this variant on mRNA splicing is currently unknown. In summary, the available evidence is currently insufficient to determine the role of this variant in disease. Therefore, it has been classified as a Variant of Uncertain Significance.

NM_006231.4(POLE):c.6532-15_6532-14delinsAT

Gene: POLE (DNA polymerase epsilon, catalytic subunit; minus strand). Cytogenetic location: 12q24.33.
Variant type: Indel.
Coding change: c.6532-15_6532-14delinsAT on transcript NM_006231.4 (MANE Select); 15 bases into the intron before coding-DNA position 6532 through 14 bases into the intron before coding-DNA position 6532, TC replaced by AT.
Molecular consequence: intron variant.
Genome position (GRCh38, 1-based): chr12:132,625,784-132,625,785, GA replaced by AT on the plus strand (TC replaced by AT on the coding strand, the reverse complement: POLE is on the minus strand). VCF-style: chr12-132625784-GA-AT. GRCh37 (hg19) VCF-style: chr12-133202370-GA-AT.
Identifiers: ClinVar variation 2769721 (VCV002769721.3), dbSNP rs2541838882, ClinGen allele CA2697551582.